The following is an entry in ClinVar:

ClinVar aggregate classification (germline): Uncertain significance (1 of 4 stars; one submission).

Conditions:
Inborn genetic diseases. Identifiers: MedGen C0950123, MeSH D030342.

Submission:

Ambry Genetics
Classification: Uncertain significance for Inborn genetic diseases. Last evaluated: 2024-11-14. Review status: criteria provided, single submitter. Criteria: Ambry Variant Classification Scheme 2023. Collection method: clinical testing. Allele origin: germline.
Comment: The p.P321H variant (also known as c.962C>A), located in coding exon 9 of the MDH2 gene, results from a C to A substitution at nucleotide position 962. The proline at codon 321 is replaced by histidine, an amino acid with similar properties. This amino acid position is conserved. In addition, this alteration is predicted to be tolerated by in silico analysis. Based on the available evidence, the clinical significance of this variant remains unclear.

NM_005918.4(MDH2):c.962C>A (p.Pro321His)

Gene: MDH2 (malate dehydrogenase 2; plus strand). Cytogenetic location: 7q11.23.
Variant type: single nucleotide variant.
Coding change: c.962C>A on transcript NM_005918.4 (MANE Select); coding-DNA position 962, C replaced by A.
Protein change: p.Pro321His; replaces proline 321 with histidine.
Molecular consequence: missense variant.
Genome position (GRCh38, 1-based): chr7:76,066,355, C>A. VCF-style: chr7-76066355-C-A. GRCh37 (hg19) VCF-style: chr7-75695673-C-A.
Other names: c.836C>A, p.Pro279His (NM_001282403.2); c.641C>A, p.Pro214His (NM_001282404.2); short protein forms P279H, P214H, P321H.
Identifiers: ClinVar variation 3394050 (VCV003394050.1).
Genomic context (GRCh38, chr7:76,066,355, plus strand): 5'-AGAACCTGGGCATCGGCAAAGTCTCCTCTTTTGAGGAGAAGATGATCTCGGATGCCATCC[C>A]CGAGCTGAAGGCCTCCATCAAGAAGGGGGAAGATTTCGTGAAGACCCTGAAGTGAGCCGC-3'
Protein context (NP_005909.2, residues 311-331): FEEKMISDAI[Pro321His]ELKASIKKGE